The following is an entry in ClinVar:

NM_020549.5(CHAT):c.127G>A (p.Gly43Arg)

Gene: CHAT (choline O-acetyltransferase; plus strand). Cytogenetic location: 10q11.23.
Variant type: single nucleotide variant.
Coding change: c.127G>A on transcript NM_020549.5 (MANE Select); coding-DNA position 127, G replaced by A.
Protein change: p.Gly43Arg; replaces glycine 43 with arginine.
Molecular consequence: missense variant. On other transcripts: 5 prime UTR variant (4), intron variant (2).
Genome position (GRCh38, 1-based): chr10:49,614,316, G>A. VCF-style: chr10-49614316-G-A. GRCh37 (hg19) VCF-style: chr10-50822362-G-A.
Other names: c.-228G>A (NM_001142929.2, NM_020985.4); c.-190G>A (NM_001142933.2); c.-298G>A (NM_001142934.2); c.-68-2186G>A (NM_020984.4); c.-69+1114G>A (NM_020986.4); short protein forms G43R.
Identifiers: ClinVar variation 498121 (VCV000498121.9), dbSNP rs1423177834, ClinGen allele CA376724992.

ClinVar aggregate classification (germline): Uncertain significance. Review status: criteria provided, multiple submitters, no conflicts (2 of 4 stars). 2 submissions from 2 submitters: Uncertain significance (2). Last evaluated 2022-09-06.

Conditions:
Familial infantile myasthenia (CMS6). Also called: Congenital myasthenic syndrome type 6; MYASTHENIC SYNDROME, PRESYNAPTIC, CONGENITAL, ASSOCIATED WITH EPISODIC APNEA; MYASTHENIC SYNDROME, CONGENITAL, 6, PRESYNAPTIC. Identifiers: Orphanet 590, MedGen C0393929, MONDO:0009689, OMIM 254210.

Allele frequency attached by ClinVar (database versions not stated): gnomAD 0.00001 and 0.00003; TOPMed 0.00001; 1000 Genomes Project 30x 0.00016.

Submissions (2):

Labcorp Genetics (formerly Invitae), Labcorp
Classification: Uncertain significance for Familial infantile myasthenia. Last evaluated: 2022-09-06. Review status: criteria provided, single submitter. Criteria: Invitae Variant Classification Sherloc (09022015). Collection method: clinical testing. Allele origin: germline.
Comment: This sequence change replaces glycine, which is neutral and non-polar, with arginine, which is basic and polar, at codon 43 of the CHAT protein (p.Gly43Arg). This variant is present in population databases (no rsID available, gnomAD 0.007%). This variant has not been reported in the literature in individuals affected with CHAT-related conditions. ClinVar contains an entry for this variant (Variation ID: 498121). Advanced modeling of protein sequence and biophysical properties (such as structural, functional, and spatial information, amino acid conservation, physicochemical variation, residue mobility, and thermodynamic stability) performed at Invitae indicates that this missense variant is not expected to disrupt CHAT protein function. Algorithms developed to predict the effect of sequence changes on RNA splicing suggest that this variant may create or strengthen a splice site. In summary, the available evidence is currently insufficient to determine the role of this variant in disease. Therefore, it has been classified as a Variant of Uncertain Significance.

Eurofins Ntd Llc (ga)
Classification: Uncertain significance. Last evaluated: 2016-11-30. Review status: criteria provided, single submitter. Criteria: EGL Classification Definitions 2015. Collection method: clinical testing. Allele origin: germline. Observed: 1 variant allele, 1 heterozygote.